The following is an entry in ClinVar:

ClinVar aggregate classification (germline): Pathogenic/Likely pathogenic. Review status: criteria provided, multiple submitters, no conflicts (2 of 4 stars). 5 submissions from 5 submitters: Pathogenic (4); Likely pathogenic (1). Last evaluated 2023-09-07.

Conditions:
Familial cancer of breast. Also called: BREAST CANCER, FAMILIAL; Hereditary breast cancer; hereditary breast carcinoma. Identifiers: Orphanet 227535, MedGen C0346153, MONDO:0016419, OMIM 114480. Disease mechanism: loss of function.
Hereditary cancer-predisposing syndrome. Also called: Tumor predisposition; Hereditary Cancer Syndrome; Hereditary neoplastic syndrome; Neoplastic Syndromes, Hereditary. Identifiers: Orphanet 140162, MedGen C0027672, MeSH D009386, MONDO:0015356.

Submissions (5):

Myriad Genetics, Inc.
Classification: Pathogenic for Familial cancer of breast. Last evaluated: 2023-09-07. Review status: criteria provided, single submitter. Criteria: Myriad Autosomal Dominant, Autosomal Recessive and X-Linked Classification Criteria (2023). Collection method: clinical testing. Allele origin: unknown.
Comment: This variant is considered pathogenic. This variant creates a frameshift predicted to result in premature protein truncation.

Baylor Genetics
Classification: Likely pathogenic for Familial cancer of breast. Last evaluated: 2022-08-28. Review status: criteria provided, single submitter. Criteria: ACMG Guidelines, 2015. Collection method: clinical testing. Allele origin: unknown.

Color Diagnostics, LLC DBA Color Health
Classification: Pathogenic for Hereditary cancer-predisposing syndrome. Last evaluated: 2020-01-15. Review status: criteria provided, single submitter. Criteria: ACMG Guidelines, 2015. Collection method: clinical testing. Allele origin: germline.
Comment: This variant deletes 2 nucleotides in exon 4 of the PALB2 gene, creating a frameshift and premature translation stop signal. This variant is expected to result in an absent or non-functional protein product. This variant has not been identified in the general population by the Genome Aggregation Database (gnomAD). Loss of PALB2 function is a known mechanism of disease. Based on the available evidence, this variant is classified as Pathogenic.

Ambry Genetics
Classification: Pathogenic for Hereditary cancer-predisposing syndrome. Last evaluated: 2016-12-21. Review status: criteria provided, single submitter. Criteria: Ambry Variant Classification Scheme 2023. Collection method: clinical testing. Allele origin: germline.
Comment: The c.953_954delGT pathogenic mutation, located in coding exon 4 of the PALB2 gene, results from a deletion of two nucleotides at nucleotide positions 953 to 954, causing a translational frameshift with a predicted alternate stop codon (p.S318Ifs*2). This alteration is expected to result in loss of function by premature protein truncation or nonsense-mediated mRNA decay. As such, this alteration is interpreted as a disease-causing mutation.

Labcorp Genetics (formerly Invitae), Labcorp
Classification: Pathogenic for Familial cancer of breast. Last evaluated: 2016-09-04. Review status: criteria provided, single submitter. Criteria: Invitae Variant Classification Sherloc (09022015). Collection method: clinical testing. Allele origin: germline.
Comment: For these reasons, this variant has been classified as Pathogenic. While this particular variant has not been reported in the literature, loss-of-function variants in PALB2 are known to be pathogenic (PMID: 25099575, 17200668). This sequence change deletes 2 nucleotides from exon 4 of the PALB2 mRNA (c.953_954delGT), causing a frameshift at codon 318. This creates a premature translational stop signal (p.Ser318Ilefs*2) and is expected to result in an absent or disrupted protein product.

Literature cited by the submitters: PubMed 25099575 (cited by Labcorp Genetics (formerly Invitae), Labcorp); PubMed 17200668 (cited by Labcorp Genetics (formerly Invitae), Labcorp).

NM_024675.4(PALB2):c.953_954del (p.Ser318fs)

Gene: PALB2 (partner and localizer of BRCA2; minus strand). Cytogenetic location: 16p12.2.
Variant type: Deletion.
Coding change: c.953_954del on transcript NM_024675.4 (MANE Select); coding-DNA positions 953 to 954, 2 bases deleted (GT; older notation c.953_954delGT).
Protein change: p.Ser318fs; shifts the reading frame from serine 318.
Molecular consequence: frameshift variant.
Genome position (GRCh38, 1-based): chr16:23,635,592-23,635,593, AC deleted on the plus strand (GT on the coding strand, the reverse complement: PALB2 is on the minus strand). VCF-style (leftmost placement, unchanged base first): chr16-23635591-AAC-A. GRCh37 (hg19) VCF-style: chr16-23646912-AAC-A.
Other names: c.953_954delGT (NM_024675.3).
Identifiers: ClinVar variation 410206 (VCV000410206.16), dbSNP rs1060502800, ClinGen allele CA16614862.